The following is an entry in ClinVar:

NM_024675.4(PALB2):c.3201+6T>C

Gene: PALB2 (partner and localizer of BRCA2; minus strand). Cytogenetic location: 16p12.2.
Variant type: single nucleotide variant.
Coding change: c.3201+6T>C on transcript NM_024675.4 (MANE Select); 6 bases into the intron after coding-DNA position 3201, T replaced by C.
Molecular consequence: intron variant.
Genome position (GRCh38, 1-based): chr16:23,613,998, A>G on the plus strand (T>C on the coding strand, the complement: PALB2 is on the minus strand). VCF-style: chr16-23613998-A-G. GRCh37 (hg19) VCF-style: chr16-23625319-A-G.
Identifiers: ClinVar variation 1427566 (VCV001427566.7), dbSNP rs1567209787, ClinGen allele CA2573152163.

ClinVar aggregate classification (germline): Uncertain significance (1 of 4 stars; one submission).

Conditions:
Familial cancer of breast. Also called: Hereditary breast cancer; BREAST CANCER, FAMILIAL; hereditary breast carcinoma. Identifiers: Orphanet 227535, MedGen C0346153, MONDO:0016419, OMIM 114480. Disease mechanism: loss of function.

Submission:

Labcorp Genetics (formerly Invitae), Labcorp
Classification: Uncertain significance for Familial cancer of breast. Last evaluated: 2021-07-16. Review status: criteria provided, single submitter. Criteria: Invitae Variant Classification Sherloc (09022015). Collection method: clinical testing. Allele origin: germline.
Comment: In summary, the available evidence is currently insufficient to determine the role of this variant in disease. Therefore, it has been classified as a Variant of Uncertain Significance. Nucleotide substitutions within the consensus splice site are a relatively common cause of aberrant splicing (PMID: 17576681, 9536098). Algorithms developed to predict the effect of sequence changes on RNA splicing suggest that this variant may disrupt the consensus splice site. This variant has not been reported in the literature in individuals affected with PALB2-related conditions. This variant is not present in population databases (ExAC no frequency). This sequence change falls in intron 11 of the PALB2 gene. It does not directly change the encoded amino acid sequence of the PALB2 protein. It affects a nucleotide within the consensus splice site of the intron.

Literature cited by the submitters: PubMed 17576681; PubMed 9536098.